The following is an entry in ClinVar:

ClinVar aggregate classification (germline): Uncertain significance (1 of 4 stars; one submission).

Submission:

Labcorp Genetics (formerly Invitae), Labcorp
Classification: Uncertain significance. Last evaluated: 2025-01-16. Review status: criteria provided, single submitter. Criteria: Invitae Variant Classification Sherloc (09022015). Collection method: clinical testing. Allele origin: germline.
Comment: This sequence change replaces arginine, which is basic and polar, with glycine, which is neutral and non-polar, at codon 152 of the WNT5A protein (p.Arg152Gly). This variant is not present in population databases (gnomAD no frequency). This variant has not been reported in the literature in individuals affected with WNT5A-related conditions. ClinVar contains an entry for this variant (Variation ID: 2856398). Invitae Evidence Modeling of protein sequence and biophysical properties (such as structural, functional, and spatial information, amino acid conservation, physicochemical variation, residue mobility, and thermodynamic stability) indicates that this missense variant is expected to disrupt WNT5A protein function with a positive predictive value of 80%. In summary, the available evidence is currently insufficient to determine the role of this variant in disease. Therefore, it has been classified as a Variant of Uncertain Significance.

NM_003392.7(WNT5A):c.454C>G (p.Arg152Gly)

Gene: WNT5A (Wnt family member 5A; minus strand). Cytogenetic location: 3p14.3.
Variant type: single nucleotide variant.
Coding change: c.454C>G on transcript NM_003392.7 (MANE Select); coding-DNA position 454, C replaced by G.
Protein change: p.Arg152Gly; replaces arginine 152 with glycine.
Molecular consequence: missense variant.
Genome position (GRCh38, 1-based): chr3:55,474,567, G>C on the plus strand (C>G on the coding strand, the complement: WNT5A is on the minus strand). VCF-style: chr3-55474567-G-C. GRCh37 (hg19) VCF-style: chr3-55508595-G-C.
Other names: c.409C>G, p.Arg137Gly (NM_001256105.1, NM_001377271.1, NM_001377272.1); short protein forms R152G, R137G.
Identifiers: ClinVar variation 2856398 (VCV002856398.3), dbSNP rs1236488118, ClinGen allele CA353275666.